The following is an entry in ClinVar:

ClinVar aggregate classification (germline): Likely benign (1 of 4 stars; one submission).

Conditions:
SHANK3-related disorder. Also called: SHANK3-related condition.

Submission:

PreventionGenetics, part of Exact Sciences
Classification: Likely benign for SHANK3-related condition. Last evaluated: 2021-07-12. Review status: criteria provided, single submitter. Criteria: ACMG Guidelines, 2015. Collection method: clinical testing. Allele origin: germline.
Comment: This variant is classified as likely benign based on ACMG/AMP sequence variant interpretation guidelines (Richards et al. 2015 PMID: 25741868, with internal and published modifications).

NM_001372044.2(SHANK3):c.4181T>G (p.Leu1394Arg)

Gene: SHANK3 (SH3 and multiple ankyrin repeat domains 3; plus strand). Cytogenetic location: 22q13.33.
Variant type: single nucleotide variant.
Coding change: c.4181T>G on transcript NM_001372044.2 (MANE Select); coding-DNA position 4181, T replaced by G.
Protein change: p.Leu1394Arg; replaces leucine 1394 with arginine.
Molecular consequence: missense variant.
Genome position (GRCh38, 1-based): chr22:50,721,789, T>G. VCF-style: chr22-50721789-T-G. GRCh37 (hg19) VCF-style: chr22-51160217-T-G.
Other names: c.3956T>G, p.Leu1319Arg (NM_033517.1); short protein forms L1319R, L1394R.
Identifiers: ClinVar variation 3033611 (VCV003033611.1), dbSNP rs2518429472, ClinGen allele CA515263495.